The following is an entry in ClinVar:

ClinVar aggregate classification (germline): Uncertain significance. Review status: criteria provided, multiple submitters, no conflicts (2 of 4 stars). 2 submissions from 2 submitters: Uncertain significance (2). Last evaluated 2025-02-26.

Conditions:
Idiopathic Pulmonary Fibrosis. Also called: Idiopathic fibrosing alveolitis, chronic form; idiopathic fibrosing alveolitis. Identifiers: Orphanet 2032, MedGen C1800706, MeSH D054990, MONDO:0800504.
Dyskeratosis congenita, autosomal dominant 2. Identifiers: MedGen C3151443, MONDO:0013521, OMIM 613989.
Dyskeratosis congenita. Identifiers: Orphanet 1775, MedGen C0265965, MONDO:0015780.

Allele frequency attached by ClinVar (database versions not stated): gnomAD exomes 0.00001.
gnomAD v4.1: 5 of 1,551,786 alleles (0.00032%); highest among the groups gnomAD compares: Non-Finnish European, 0.00044%; no homozygotes.

Submissions (2):

Labcorp Genetics (formerly Invitae), Labcorp
Classification: Uncertain significance for Dyskeratosis congenita, autosomal dominant 2; Idiopathic Pulmonary Fibrosis. Last evaluated: 2025-02-26. Review status: criteria provided, single submitter. Criteria: Invitae Variant Classification Sherloc (09022015). Collection method: clinical testing. Allele origin: germline.
Comment: This sequence change replaces alanine, which is neutral and non-polar, with threonine, which is neutral and polar, at codon 422 of the TERT protein (p.Ala422Thr). The frequency data for this variant in the population databases is considered unreliable, as metrics indicate poor data quality at this position in the gnomAD database. This variant has not been reported in the literature in individuals affected with TERT-related conditions. ClinVar contains an entry for this variant (Variation ID: 936629). Invitae Evidence Modeling of protein sequence and biophysical properties (such as structural, functional, and spatial information, amino acid conservation, physicochemical variation, residue mobility, and thermodynamic stability) indicates that this missense variant is not expected to disrupt TERT protein function with a negative predictive value of 95%. In summary, the available evidence is currently insufficient to determine the role of this variant in disease. Therefore, it has been classified as a Variant of Uncertain Significance.

Ambry Genetics
Classification: Uncertain significance for Dyskeratosis congenita. Last evaluated: 2022-02-26. Review status: criteria provided, single submitter. Criteria: Ambry Variant Classification Scheme 2023. Collection method: clinical testing. Allele origin: germline.
Comment: The p.A422T variant (also known as c.1264G>A), located in coding exon 2 of the TERT gene, results from a G to A substitution at nucleotide position 1264. The alanine at codon 422 is replaced by threonine, an amino acid with similar properties. This amino acid position is conserved. In addition, this alteration is predicted to be tolerated by in silico analysis. Since supporting evidence is limited at this time, the clinical significance of this alteration remains unclear.

NM_198253.3(TERT):c.1264G>A (p.Ala422Thr)

Gene: TERT (telomerase reverse transcriptase; minus strand). Cytogenetic location: 5p15.33.
Variant type: single nucleotide variant.
Coding change: c.1264G>A on transcript NM_198253.3 (MANE Select); coding-DNA position 1264, G replaced by A.
Protein change: p.Ala422Thr; replaces alanine 422 with threonine.
Molecular consequence: missense variant. On other transcripts: non-coding transcript variant (2).
Genome position (GRCh38, 1-based): chr5:1,293,622, C>T on the plus strand (G>A on the coding strand, the complement: TERT is on the minus strand). VCF-style: chr5-1293622-C-T. GRCh37 (hg19) VCF-style: chr5-1293737-C-T.
Other names: c.1264G>A, p.Ala422Thr (NM_001193376.3); short protein forms A422T.
Identifiers: ClinVar variation 936629 (VCV000936629.10), dbSNP rs1298013724, ClinGen allele CA359086411.